The following is an entry in ClinVar:

ClinVar aggregate classification (germline): Pathogenic (1 of 4 stars; one submission).

Conditions:
Duchenne muscular dystrophy (DMD). Also called: Duchenne Muscular Dystrophy (DMD); MUSCULAR DYSTROPHY, PSEUDOHYPERTROPHIC PROGRESSIVE, DUCHENNE TYPE. Identifiers: Orphanet 98896, MedGen C0013264, MONDO:0010679, OMIM 310200.

Submission:

Labcorp Genetics (formerly Invitae), Labcorp
Classification: Pathogenic for Duchenne muscular dystrophy. Last evaluated: 2022-10-26. Review status: criteria provided, single submitter. Criteria: Invitae Variant Classification Sherloc (09022015). Collection method: clinical testing. Allele origin: germline.
Comment: This variant is a gross deletion of the genomic region encompassing exon(s) 52 of the DMD gene. This deletion is out-of-frame, and is expected to create a premature termination codon and result in an absent or disrupted protein product. Loss-of-function variants in DMD are known to be pathogenic (PMID: 16770791, 25007885). A similar copy number variant has been observed in individuals with both Duchenne muscular dystrophy and Becker muscular dystrophy (PMID: 22510846, 23914114, 25244321, 26081009). For these reasons, this variant has been classified as Pathogenic.

Literature cited by the submitters: PubMed 16770791; PubMed 25007885; PubMed 22510846; PubMed 23914114; PubMed 25244321; PubMed 26081009.

NC_000023.10:g.(?_31747728)_(31747885_?)del

Gene: DMD (dystrophin; minus strand). Cytogenetic location: Xp21.1.
Variant type: Deletion.
Identifiers: ClinVar variation 1460383 (VCV001460383.5).